The following is an entry in ClinVar:

ClinVar aggregate classification (germline): Pathogenic. Review status: criteria provided, multiple submitters, no conflicts (2 of 4 stars). 2 submissions from 2 submitters: Pathogenic (2). Last evaluated 2018-12-03.

Conditions:
Developmental and epileptic encephalopathy, 9 (DEE9). Also called: Early infantile epileptic encephalopathy 9; EPILEPSY, FEMALE-RESTRICTED, WITH MENTAL RETARDATION; JUBERG-HELLMAN SYNDROME; PCDH19-Related X-Linked Female-Limited Epilepsy with Mental Retardation. Identifiers: Orphanet 101039, Orphanet 2076, MedGen C1848137, MONDO:0010246, OMIM 300088. Disease mechanism: loss of function.
Inborn genetic diseases. Identifiers: MedGen C0950123, MeSH D030342.

Submissions (2):

Labcorp Genetics (formerly Invitae), Labcorp
Classification: Pathogenic for Developmental and epileptic encephalopathy, 9. Last evaluated: 2018-12-03. Review status: criteria provided, single submitter. Criteria: Invitae Variant Classification Sherloc (09022015). Collection method: clinical testing. Allele origin: germline.
Comment: This sequence change creates a premature translational stop signal (p.Val332Serfs*36) in the PCDH19 gene. It is expected to result in an absent or disrupted protein product. This variant is not present in population databases (ExAC no frequency). This variant has not been reported in the literature in individuals with PCDH19-related conditions. ClinVar contains an entry for this variant (Variation ID:¬†589901). Loss-of-function variants in PCDH19 are known to be pathogenic (PMID: 21053371). For these reasons, this variant has been classified as Pathogenic.

Ambry Genetics
Classification: Pathogenic for Inborn genetic diseases. Last evaluated: 2016-08-19. Review status: criteria provided, single submitter. Criteria: Ambry Variant Classification Scheme 2023. Collection method: clinical testing. Allele origin: germline.
Comment: The c.994delG pathogenic mutation, located in coding exon 1 of the PCDH19 gene, results from a deletion of one nucleotide at position 994, causing a translational frameshift with a predicted alternate stop codon (p.V332Sfs*36). This alteration is expected to result in loss of function by premature protein truncation. As such, this alteration is interpreted as a disease-causing mutation.

Literature cited by the submitters: PubMed 21053371 (cited by Labcorp Genetics (formerly Invitae), Labcorp).

NM_001184880.2(PCDH19):c.994del (p.Val332fs)

Gene: PCDH19 (protocadherin 19; minus strand). Cytogenetic location: Xq22.1.
Variant type: Deletion.
Coding change: c.994del on transcript NM_001184880.2 (MANE Select); coding-DNA position 994, one base deleted (G; older notation c.994delG).
Protein change: p.Val332fs; shifts the reading frame from valine 332.
Molecular consequence: frameshift variant.
Genome position (GRCh38, 1-based): chrX:100,407,604, C deleted on the plus strand (G on the coding strand, the reverse complement: PCDH19 is on the minus strand); the first of 2 consecutive C bases (chrX:100,407,604-100,407,605); deleting either gives the same sequence. VCF-style (leftmost placement, unchanged base first): chrX-100407603-AC-A. GRCh37 (hg19) VCF-style: chrX-99662601-AC-A.
Other names: c.994del, p.Val332fs (NM_001105243.2, NM_020766.3); short protein forms V332fs.
Identifiers: ClinVar variation 589901 (VCV000589901.7), dbSNP rs1569315156, ClinGen allele CA891843594.
Genomic context (GRCh38, chrX:100,407,603, plus strand): 5'-TTGACTGACAGCAGGTTGATGACCGGCGGATTGTCATTGGTGTCCAGCACGCTGACGGTG[AC>A]CTTGCAGTGTGCCGGGATGGAATTGGGCCCCAAGTCCTTAGCCTGCACGTCCAGTTCGTA-3'